The following is an entry in ClinVar:

NM_032444.4(SLX4):c.5107G>T (p.Val1703Leu)

Gene: SLX4 (SLX4 structure-specific endonuclease subunit; minus strand). Cytogenetic location: 16p13.3.
Variant type: single nucleotide variant.
Coding change: c.5107G>T on transcript NM_032444.4 (MANE Select); coding-DNA position 5107, G replaced by T.
Protein change: p.Val1703Leu; replaces valine 1703 with leucine.
Molecular consequence: missense variant.
Genome position (GRCh38, 1-based): chr16:3,583,143, C>A on the plus strand (G>T on the coding strand, the complement: SLX4 is on the minus strand). VCF-style: chr16-3583143-C-A. GRCh37 (hg19) VCF-style: chr16-3633144-C-A.
Other names: short protein forms V1703L.
Identifiers: ClinVar variation 2180748 (VCV002180748.5), dbSNP rs771178344, ClinGen allele CA394514548.

ClinVar aggregate classification (germline): Uncertain significance. Review status: criteria provided, multiple submitters, no conflicts (2 of 4 stars). 2 submissions from 2 submitters: Uncertain significance (2). Last evaluated 2024-05-23.

Conditions:
Fanconi anemia (FA). Also called: Fanconi's anemia. Identifiers: Orphanet 84, MedGen C0015625, MeSH D005199, MONDO:0019391.
Fanconi anemia complementation group P. Also called: SLX4-Related Fanconi Anemia. Identifiers: Orphanet 84, MedGen C3469542, MONDO:0013499, OMIM 613951.

Submissions (2):

Fulgent Genetics
Classification: Uncertain significance for Fanconi anemia complementation group P. Last evaluated: 2024-05-23. Review status: criteria provided, single submitter. Criteria: ACMG Guidelines, 2015. Collection method: clinical testing. Allele origin: germline.

Labcorp Genetics (formerly Invitae), Labcorp
Classification: Uncertain significance for Fanconi anemia. Last evaluated: 2022-05-21. Review status: criteria provided, single submitter. Criteria: Invitae Variant Classification Sherloc (09022015). Collection method: clinical testing. Allele origin: germline.
Comment: In summary, the available evidence is currently insufficient to determine the role of this variant in disease. Therefore, it has been classified as a Variant of Uncertain Significance. Algorithms developed to predict the effect of missense changes on protein structure and function (SIFT, PolyPhen-2, Align-GVGD) all suggest that this variant is likely to be tolerated. This variant has not been reported in the literature in individuals affected with SLX4-related conditions. This variant is not present in population databases (gnomAD no frequency). This sequence change replaces valine, which is neutral and non-polar, with leucine, which is neutral and non-polar, at codon 1703 of the SLX4 protein (p.Val1703Leu).